The following is an entry in ClinVar:

ClinVar aggregate classification (germline): Uncertain significance (1 of 4 stars; one submission).

Conditions:
Werner syndrome (WRN). Identifiers: Orphanet 902, MedGen C0043119, MONDO:0010196, OMIM 277700.

Allele frequency attached by ClinVar (database versions not stated): gnomAD 0.00001; gnomAD exomes 0.00001 and 0.00002; ExAC 0.00002; TOPMed 0.00002.
gnomAD v4.1: 13 of 1,613,938 alleles (0.00081%); highest among the groups gnomAD compares: African/African-American, 0.004%; no homozygotes.

Submission:

Labcorp Genetics (formerly Invitae), Labcorp
Classification: Uncertain significance for Werner syndrome. Last evaluated: 2022-06-13. Review status: criteria provided, single submitter. Criteria: Invitae Variant Classification Sherloc (09022015). Collection method: clinical testing. Allele origin: germline.
Comment: This sequence change replaces arginine, which is basic and polar, with cysteine, which is neutral and slightly polar, at codon 999 of the WRN protein (p.Arg999Cys). This variant is present in population databases (rs761819112, gnomAD 0.01%). This variant has not been reported in the literature in individuals affected with WRN-related conditions. ClinVar contains an entry for this variant (Variation ID: 403984). Algorithms developed to predict the effect of missense changes on protein structure and function are either unavailable or do not agree on the potential impact of this missense change (SIFT: "Not Available"; PolyPhen-2: "Probably Damaging"; Align-GVGD: "Not Available"). Algorithms developed to predict the effect of sequence changes on RNA splicing suggest that this variant may create or strengthen a splice site. In summary, the available evidence is currently insufficient to determine the role of this variant in disease. Therefore, it has been classified as a Variant of Uncertain Significance.

NM_000553.6(WRN):c.2995C>T (p.Arg999Cys)

Gene: WRN (WRN RecQ like helicase; plus strand). Cytogenetic location: 8p12.
Variant type: single nucleotide variant.
Coding change: c.2995C>T on transcript NM_000553.6 (MANE Select); coding-DNA position 2995, C replaced by T.
Protein change: p.Arg999Cys; replaces arginine 999 with cysteine.
Molecular consequence: missense variant.
Genome position (GRCh38, 1-based): chr8:31,141,457, C>T. VCF-style: chr8-31141457-C-T. GRCh37 (hg19) VCF-style: chr8-30998973-C-T.
Other names: short protein forms R999C.
Identifiers: ClinVar variation 403984 (VCV000403984.6), dbSNP rs761819112, ClinGen allele CA4704916.